The following is an entry in ClinVar:

ClinVar aggregate classification (germline): Benign. Review status: criteria provided, multiple submitters, no conflicts (2 of 4 stars). 6 submissions from 6 submitters: Benign (5). 1 of the submissions does not count toward it. Last evaluated 2026-02-03.

Conditions:
Cerebellar ataxia, impaired intellectual development, and dysequilibrium syndrome 4. Also called: CEREBELLAR ATAXIA AND MENTAL RETARDATION WITH OR WITHOUT QUADRUPEDAL LOCOMOTION 4; Cerebellar ataxia, mental retardation, and dysequilibrium syndrome 4; Cerebellar ataxia, intellectual disability, and dysequilibrium syndrome 4. Identifiers: Orphanet 1766, MedGen C3808977, MONDO:0014104, OMIM 615268.

Allele frequency attached by ClinVar (database versions not stated): 1000 Genomes Project 30x 0.98735; 1000 Genomes Project 0.98742; TOPMed 0.98967; ESP Exome Variant Server 0.98982; gnomAD 0.99194; ExAC 0.99726.
gnomAD v4.1: 1,610,921 of 1,613,582 alleles (100%); highest among the groups gnomAD compares: East Asian, 100%; 804,172 homozygotes.

Submissions (6):

Labcorp Genetics (formerly Invitae), Labcorp
Classification: Benign. Last evaluated: 2026-02-03. Review status: criteria provided, single submitter. Criteria: Invitae Variant Classification Sherloc (09022015). Collection method: clinical testing. Allele origin: germline.

Mayo Clinic Laboratories, Mayo Clinic
Classification: Benign. Last evaluated: 2022-03-24. Review status: criteria provided, single submitter. Criteria: ACMG Guidelines, 2015. Collection method: clinical testing. Allele origin: germline. Observed: 484 variant alleles.

Genome-Nilou Lab
Classification: Benign for Cerebellar ataxia, impaired intellectual development, and dysequilibrium syndrome 4. Last evaluated: 2021-07-14. Review status: criteria provided, single submitter. Criteria: ACMG Guidelines, 2015. Collection method: clinical testing. Allele origin: germline. Affected: no.

GeneDx
Classification: Benign. Last evaluated: 2020-03-23. Review status: criteria provided, single submitter. Criteria: GeneDx Variant Classification Process June 2021. Collection method: clinical testing. Allele origin: germline. Affected: yes.

Breakthrough Genomics
Classification: Benign. Review status: criteria provided, single submitter. Criteria: ACMG Guidelines, 2015. Collection method: not provided. Allele origin: germline. Inheritance: Autosomal recessive inheritance. Affected: yes.

Genetic Services Laboratory, University of Chicago
Classification: Likely benign for AllHighlyPenetrant. Review status: no assertion criteria provided. Collection method: clinical testing. Allele origin: germline. Inheritance: Autosomal recessive inheritance. Not counted in ClinVar's aggregate classification.
Comment: Likely benign based on allele frequency in 1000 Genomes Project or ESP global frequency and its presence in a patient with a rare or unrelated disease phenotype. NOT Sanger confirmed.

NM_016529.6(ATP8A2):c.2286G>C (p.Leu762=)

Gene: ATP8A2 (ATPase phospholipid transporting 8A2). Cytogenetic location: 13q12.13.
Variant type: single nucleotide variant.
Coding change: c.2286G>C on transcript NM_016529.6 (MANE Select); coding-DNA position 2286, G replaced by C.
Protein change: p.Leu762=; no amino-acid change (leucine 762 retained).
Molecular consequence: synonymous variant.
Genome position (GRCh38, 1-based): chr13:25,699,247, G>C. VCF-style: chr13-25699247-G-C. GRCh37 (hg19) VCF-style: chr13-26273385-G-C.
Other names: p.Leu762=; c.2166G>C, p.Leu722= (NM_001313741.1).
Identifiers: ClinVar variation 128490 (VCV000128490.25), dbSNP rs6491088, ClinGen allele CA214776.
Genomic context (GRCh38, chr13:25,699,247, plus strand): 5'-CATTACTCAGCACTGCACTGACCTTGGGAATTTGCTGGGCAAGGAAAATGACGTGGCCCT[G>C]ATCATCGATGGCCACACCCTGAAGTACGCGCTCTCCTTCGAAGTCCGGAGGAGTTTCCTG-3'
Protein context (NP_057613.4, residues 752-772): NLLGKENDVA[Leu762=]IIDGHTLKYA